The following is an entry in ClinVar:

NM_000718.4(CACNA1B):c.6081G>A (p.Gln2027=)

Gene: CACNA1B (calcium voltage-gated channel subunit alpha1 B; plus strand). Cytogenetic location: 9q34.3.
Variant type: single nucleotide variant.
Coding change: c.6081G>A on transcript NM_000718.4 (MANE Select); coding-DNA position 6081, G replaced by A.
Protein change: p.Gln2027=; no amino-acid change (glutamine 2027 retained).
Molecular consequence: synonymous variant.
Genome position (GRCh38, 1-based): chr9:138,120,215, G>A. VCF-style: chr9-138120215-G-A. GRCh37 (hg19) VCF-style: chr9-141014667-G-A.
Other names: c.6081G>A (NM_000718.3); c.6081G>A, p.Gln2027= (NM_001243812.2).
Identifiers: ClinVar variation 1957096 (VCV001957096.6), dbSNP rs981310991, ClinGen allele CA201872850.

ClinVar aggregate classification (germline): Conflicting classifications of pathogenicity. Review status: criteria provided, conflicting classifications (1 of 4 stars). 2 submissions from 2 submitters: Uncertain significance (1); Likely benign (1). Last evaluated 2025-04-07.

Allele frequency attached by ClinVar (database versions not stated): TOPMed below 0.00001.
gnomAD v4.1: 1 of 1,608,726 alleles (0.000062%); no homozygotes.

Submissions (2):

Labcorp Genetics (formerly Invitae), Labcorp
Classification: Likely benign. Last evaluated: 2025-04-07. Review status: criteria provided, single submitter. Criteria: Invitae Variant Classification Sherloc (09022015). Collection method: clinical testing. Allele origin: germline.

GeneDx
Classification: Uncertain significance. Last evaluated: 2023-01-19. Review status: criteria provided, single submitter. Criteria: GeneDx Variant Classification Process June 2021. Collection method: clinical testing. Allele origin: germline. Affected: yes.
Comment: Variants in candidate genes are classified as variants of uncertain significance in accordance with ACMG guidelines (Richards et al., 2015); Not observed at significant frequency in large population cohorts (gnomAD); In silico analysis suggests this variant may impact gene splicing. In the absence of RNA/functional studies, the actual effect of this sequence change is unknown.; Has not been previously published as pathogenic or benign to our knowledge